The following is an entry in ClinVar:

ClinVar aggregate classification (germline): Uncertain significance (1 of 4 stars; one submission).

Conditions:
Bethlem myopathy 1A. Also called: MYOPATHY, BENIGN CONGENITAL, WITH CONTRACTURES; Bethlem myopathy 1; Bethlem Muscular Dystrophy. Identifiers: Orphanet 610, MedGen CN029274, MONDO:0024530, OMIM 158810.

Submission:

Labcorp Genetics (formerly Invitae), Labcorp
Classification: Uncertain significance for Bethlem myopathy 1A. Last evaluated: 2025-04-03. Review status: criteria provided, single submitter. Criteria: Invitae Variant Classification Sherloc (09022015). Collection method: clinical testing. Allele origin: germline.
Comment: This sequence change replaces proline, which is neutral and non-polar, with serine, which is neutral and polar, at codon 419 of the COL6A2 protein (p.Pro419Ser). This variant is not present in population databases (gnomAD no frequency). This variant has not been reported in the literature in individuals affected with COL6A2-related conditions. Invitae Evidence Modeling of protein sequence and biophysical properties (such as structural, functional, and spatial information, amino acid conservation, physicochemical variation, residue mobility, and thermodynamic stability) indicates that this missense variant is not expected to disrupt COL6A2 protein function with a negative predictive value of 80%. In summary, the available evidence is currently insufficient to determine the role of this variant in disease. Therefore, it has been classified as a Variant of Uncertain Significance.

NM_001849.4(COL6A2):c.1255C>T (p.Pro419Ser)

Gene: COL6A2 (collagen type VI alpha 2 chain; plus strand). Cytogenetic location: 21q22.3.
Variant type: single nucleotide variant.
Coding change: c.1255C>T on transcript NM_001849.4 (MANE Select); coding-DNA position 1255, C replaced by T.
Protein change: p.Pro419Ser; replaces proline 419 with serine.
Molecular consequence: missense variant.
Genome position (GRCh38, 1-based): chr21:46,119,105, C>T. VCF-style: chr21-46119105-C-T. GRCh37 (hg19) VCF-style: chr21-47539019-C-T.
Other names: c.1255C>T, p.Pro419Ser (NM_058174.3, NM_058175.3); short protein forms P419S.
Identifiers: ClinVar variation 4809407 (VCV004809407.1).